The following is an entry in ClinVar:

NM_001365951.3(KIF1B):c.707T>G (p.Leu236Arg)

Gene: KIF1B (kinesin family member 1B; plus strand). Cytogenetic location: 1p36.22.
Variant type: single nucleotide variant.
Coding change: c.707T>G on transcript NM_001365951.3 (MANE Select); coding-DNA position 707, T replaced by G.
Protein change: p.Leu236Arg; replaces leucine 236 with arginine.
Molecular consequence: missense variant.
Genome position (GRCh38, 1-based): chr1:10,268,250, T>G. VCF-style: chr1-10268250-T-G. GRCh37 (hg19) VCF-style: chr1-10328308-T-G.
Other names: c.707T>G, p.Leu236Arg (NM_001365952.1, NM_001365953.1, NM_015074.3 and 1 more transcripts); short protein forms L236R.
Identifiers: ClinVar variation 4043127 (VCV004043127.1).

ClinVar aggregate classification (germline): Uncertain significance (1 of 4 stars; one submission).

Submission:

Ambry Genetics
Classification: Uncertain significance. Last evaluated: 2025-05-10. Review status: criteria provided, single submitter. Criteria: Ambry Variant Classification Scheme 2023. Collection method: clinical testing. Allele origin: germline.
Comment: The p.L236R variant (also known as c.707T>G), located in coding exon 6 of the KIF1B gene, results from a T to G substitution at nucleotide position 707. The leucine at codon 236 is replaced by arginine, an amino acid with dissimilar properties. This amino acid position is conserved. In addition, the in silico prediction for this alteration is inconclusive. Based on the available evidence, the clinical significance of this variant remains unclear.